The following is an entry in ClinVar:

NM_153603.4(COG7):c.1236C>G (p.Phe412Leu)

Gene: COG7 (component of oligomeric golgi complex 7; minus strand). Cytogenetic location: 16p12.2.
Variant type: single nucleotide variant.
Coding change: c.1236C>G on transcript NM_153603.4 (MANE Select); coding-DNA position 1236, C replaced by G.
Protein change: p.Phe412Leu; replaces phenylalanine 412 with leucine.
Molecular consequence: missense variant.
Genome position (GRCh38, 1-based): chr16:23,417,023, G>C on the plus strand (C>G on the coding strand, the complement: COG7 is on the minus strand). VCF-style: chr16-23417023-G-C. GRCh37 (hg19) VCF-style: chr16-23428344-G-C.
Other names: short protein forms F412L.
Identifiers: ClinVar variation 3664819 (VCV003664819.2).

ClinVar aggregate classification (germline): Uncertain significance (1 of 4 stars; one submission).

Conditions:
COG7 congenital disorder of glycosylation (CDG2E). Also called: CONGENITAL DISORDER OF GLYCOSYLATION, TYPE IIe; CDG IIe. Identifiers: Orphanet 79333, MedGen C2931010, MONDO:0012118, OMIM 608779.

Submission:

Labcorp Genetics (formerly Invitae), Labcorp
Classification: Uncertain significance for COG7 congenital disorder of glycosylation. Last evaluated: 2024-10-30. Review status: criteria provided, single submitter. Criteria: Invitae Variant Classification Sherloc (09022015). Collection method: clinical testing. Allele origin: germline.
Comment: This sequence change replaces phenylalanine, which is neutral and non-polar, with leucine, which is neutral and non-polar, at codon 412 of the COG7 protein (p.Phe412Leu). This variant is not present in population databases (gnomAD no frequency). This variant has not been reported in the literature in individuals affected with COG7-related conditions. Invitae Evidence Modeling of protein sequence and biophysical properties (such as structural, functional, and spatial information, amino acid conservation, physicochemical variation, residue mobility, and thermodynamic stability) indicates that this missense variant is not expected to disrupt COG7 protein function with a negative predictive value of 80%. In summary, the available evidence is currently insufficient to determine the role of this variant in disease. Therefore, it has been classified as a Variant of Uncertain Significance.